The following is an entry in ClinVar:

ClinVar aggregate classification (germline): Uncertain significance (1 of 4 stars; one submission).

gnomAD v4.1: 6 of 1,157,858 alleles (0.00052%); highest among the groups gnomAD compares: African/African-American, 0.0033%; no homozygotes.

Submission:

Ambry Genetics
Classification: Uncertain significance. Last evaluated: 2025-04-21. Review status: criteria provided, single submitter. Criteria: Ambry Variant Classification Scheme 2023. Collection method: clinical testing. Allele origin: germline.
Comment: The p.R92P variant (also known as c.275G>C), located in coding exon 1 of the WNK2 gene, results from a G to C substitution at nucleotide position 275. The arginine at codon 92 is replaced by proline, an amino acid with dissimilar properties. This amino acid position is conserved. In addition, this alteration is predicted to be tolerated by in silico analysis. Based on the available evidence, the clinical significance of this variant remains unclear.

NM_006648.4(WNK2):c.275G>C (p.Arg92Pro)

Gene: WNK2 (WNK lysine deficient protein kinase 2; plus strand). Cytogenetic location: 9q22.31.
Variant type: single nucleotide variant.
Coding change: c.275G>C on transcript NM_006648.4 (MANE Select); coding-DNA position 275, G replaced by C.
Protein change: p.Arg92Pro; replaces arginine 92 with proline.
Molecular consequence: missense variant.
Genome position (GRCh38, 1-based): chr9:93,185,204, G>C. VCF-style: chr9-93185204-G-C. GRCh37 (hg19) VCF-style: chr9-95947486-G-C.
Other names: c.275G>C, p.Arg92Pro (NM_001282394.3); short protein forms R92P.
Identifiers: ClinVar variation 3981935 (VCV003981935.1).